The following is an entry in ClinVar:

ClinVar aggregate classification (germline): Conflicting classifications of pathogenicity. Review status: criteria provided, conflicting classifications (1 of 4 stars). 4 submissions from 4 submitters: Uncertain significance (3); Likely benign (1). Last evaluated 2026-04-01.

Conditions:
Inborn genetic diseases. Identifiers: MedGen C0950123, MeSH D030342.

Allele frequency attached by ClinVar (database versions not stated): gnomAD exomes 0.00003 and 0.00014; gnomAD 0.00054 and 0.00055; TOPMed 0.00060.
gnomAD v4.1: 122 of 1,614,020 alleles (0.0076%); highest among the groups gnomAD compares: Admixed American, 0.2%; 1 homozygote.

Submissions (4):

CeGaT Center for Human Genetics Tuebingen
Classification: Uncertain significance. Last evaluated: 2026-04-01. Review status: criteria provided, single submitter. Criteria: CeGaT Center For Human Genetics Tuebingen Variant Classification Criteria Version 2. Collection method: clinical testing. Allele origin: germline. Affected: yes. Observed: 1 variant allele.

Labcorp Genetics (formerly Invitae), Labcorp
Classification: Likely benign. Last evaluated: 2026-01-23. Review status: criteria provided, single submitter. Criteria: Invitae Variant Classification Sherloc (09022015). Collection method: clinical testing. Allele origin: germline.

GeneDx
Classification: Uncertain significance. Last evaluated: 2022-07-13. Review status: criteria provided, single submitter. Criteria: GeneDx Variant Classification Process June 2021. Collection method: clinical testing. Allele origin: germline. Affected: yes.
Comment: In silico analysis supports that this missense variant does not alter protein structure/function; Has not been previously published as pathogenic or benign to our knowledge

Ambry Genetics
Classification: Uncertain significance for Inborn genetic diseases. Last evaluated: 2021-04-29. Review status: criteria provided, single submitter. Criteria: Ambry Variant Classification Scheme 2023. Collection method: clinical testing. Allele origin: germline.

NM_001291303.3(FAT4):c.13555G>A (p.Ala4519Thr)

Gene: FAT4 (FAT atypical cadherin 4; plus strand). Cytogenetic location: 4q28.1.
Variant type: single nucleotide variant.
Coding change: c.13555G>A on transcript NM_001291303.3 (MANE Select); coding-DNA position 13555, G replaced by A.
Protein change: p.Ala4519Thr; replaces alanine 4519 with threonine.
Molecular consequence: missense variant.
Genome position (GRCh38, 1-based): chr4:125,490,371, G>A. VCF-style: chr4-125490371-G-A. GRCh37 (hg19) VCF-style: chr4-126411526-G-A.
Other names: c.13552G>A, p.Ala4518Thr (NM_001291285.3); c.13549G>A, p.Ala4517Thr (NM_024582.6); short protein forms A4517T, A4518T, A4519T.
Identifiers: ClinVar variation 1596220 (VCV001596220.13), dbSNP rs202148971, ClinGen allele CA104876095.